The following is an entry in ClinVar:

ClinVar aggregate classification (germline): Uncertain significance (1 of 4 stars; one submission).

Conditions:
Benign neonatal seizures. Also called: Convulsions benign familial neonatal dominant form; Autosomal dominant form of benign neonatal seizures; Benign familial neonatal seizures; Benign familial neonatal epilepsy; Benign neonatal familial convulsions. Identifiers: Orphanet 1949, MedGen C0220669, MONDO:0016027.

Submission:

Labcorp Genetics (formerly Invitae), Labcorp
Classification: Uncertain significance for Benign neonatal seizures. Last evaluated: 2023-01-31. Review status: criteria provided, single submitter. Criteria: Invitae Variant Classification Sherloc (09022015). Collection method: clinical testing. Allele origin: germline.
Comment: This variant disrupts the p.Gly15 amino acid residue in KCNQ3. Other variant(s) that disrupt this residue have been observed in individuals with KCNQ3-related conditions (PMID: 32613771; Invitae), which suggests that this may be a clinically significant amino acid residue. In summary, the available evidence is currently insufficient to determine the role of this variant in disease. Therefore, it has been classified as a Variant of Uncertain Significance. Advanced modeling of protein sequence and biophysical properties (such as structural, functional, and spatial information, amino acid conservation, physicochemical variation, residue mobility, and thermodynamic stability) performed at Invitae indicates that this missense variant is not expected to disrupt KCNQ3 protein function. This missense change has been observed in individual(s) with clinical features of KCNQ3-related conditions (Invitae). This variant is not present in population databases (gnomAD no frequency). This sequence change replaces glycine, which is neutral and non-polar, with aspartic acid, which is acidic and polar, at codon 15 of the KCNQ3 protein (p.Gly15Asp).

Literature cited by the submitters: PubMed 32613771.

NM_004519.4(KCNQ3):c.44G>A (p.Gly15Asp)

Gene: KCNQ3 (potassium voltage-gated channel subfamily Q member 3; minus strand). Cytogenetic location: 8q24.22.
Variant type: single nucleotide variant.
Coding change: c.44G>A on transcript NM_004519.4 (MANE Select); coding-DNA position 44, G replaced by A.
Protein change: p.Gly15Asp; replaces glycine 15 with aspartic acid.
Molecular consequence: missense variant.
Genome position (GRCh38, 1-based): chr8:132,480,489, C>T on the plus strand (G>A on the coding strand, the complement: KCNQ3 is on the minus strand). VCF-style: chr8-132480489-C-T. GRCh37 (hg19) VCF-style: chr8-133492736-C-T.
Other names: short protein forms G15D.
Identifiers: ClinVar variation 2827715 (VCV002827715.3), dbSNP rs2537398956, ClinGen allele CA372293008.